The following is an entry in ClinVar:

NM_001374828.1(ARID1B):c.1211GAG[6] (p.Gly410_Gly411del)

Gene: ARID1B (AT-rich interaction domain 1B; plus strand). Cytogenetic location: 6q25.3.
Variant type: Microsatellite.
Coding change: c.1211GAG[6] on transcript NM_001374828.1 (MANE Select); six copies in a row of the 3-base unit GAG starting at c.1211; the reference has eight copies in a row; two copies, 6 bases deleted.
Protein change: p.Gly410_Gly411del.
Molecular consequence: inframe deletion.
Genome position (GRCh38, 1-based): chr6:156,778,909-156,778,914, GAGGAG deleted; deleting any 6 consecutive bases within chr6:156,778,890-156,778,914 gives the same sequence; the position shown is the placement nearest the transcript's 3' end. VCF-style (leftmost placement, unchanged base first): chr6-156778889-CGGAGGA-C. GRCh37 (hg19) VCF-style: chr6-157100023-CGGAGGA-C.
Other names: c.1211GAG[6], p.Gly410_Gly411del (NM_001371656.1, NM_001374820.1, NM_017519.3); c.980_985delGAGGAG (NM_020732.3); c.980_985del6 (NM_020732.3).
Identifiers: ClinVar variation 434354 (VCV000434354.46), dbSNP rs747790383, ClinGen allele CA4066718.
Genomic context (GRCh38, chr6:156,778,889, plus strand): 5'-CTACAGCCGGCCCGGCGCGGGCGGCGGCGGCGGCGGCGGCGGCGGAGGAGGAGGAGGCAG[CGGAGGA>C]GGAGGAGGAGGAGGAGGAGCAGGAGCAGGAGGAGCAGGAGCGGGAGCTGTGGCGGCGGCG-3'

ClinVar aggregate classification (germline): Benign/Likely benign. Review status: criteria provided, multiple submitters, no conflicts (2 of 4 stars). 7 submissions from 7 submitters: Benign (2); Likely benign (4). 1 of the submissions does not count toward it. Last evaluated 2026-05-01.

Conditions:
Inborn genetic diseases. Identifiers: MedGen C0950123, MeSH D030342.
ARID1B-Related Disorder. Identifiers: MedGen CN381337.

Submissions (7):

CeGaT Center for Human Genetics Tuebingen
Classification: Likely benign. Last evaluated: 2026-05-01. Review status: criteria provided, single submitter. Criteria: CeGaT Center For Human Genetics Tuebingen Variant Classification Criteria Version 2. Collection method: clinical testing. Allele origin: germline. Affected: yes. Observed: 10 variant alleles.
Comment: ARID1B: BS1

Labcorp Genetics (formerly Invitae), Labcorp
Classification: Likely benign. Last evaluated: 2026-02-03. Review status: criteria provided, single submitter. Criteria: Invitae Variant Classification Sherloc (09022015). Collection method: clinical testing. Allele origin: germline.

Blueprint Genetics
Classification: Likely benign. Last evaluated: 2024-11-25. Review status: criteria provided, single submitter. Criteria: ACMG Guidelines, 2015. Collection method: clinical testing. Allele origin: germline.

GeneDx
Classification: Benign. Last evaluated: 2019-10-09. Review status: criteria provided, single submitter. Criteria: GeneDx Variant Classification Process June 2021. Collection method: clinical testing. Allele origin: germline. Affected: yes.

Ambry Genetics
Classification: Benign for Inborn genetic diseases. Last evaluated: 2017-05-16. Review status: criteria provided, single submitter. Criteria: Ambry Variant Classification Scheme 2023. Collection method: clinical testing. Allele origin: germline.

Genetic Services Laboratory, University of Chicago
Classification: Likely benign. Last evaluated: 2016-07-22. Review status: criteria provided, single submitter. Criteria: ACMG Guidelines, 2015. Collection method: clinical testing. Allele origin: germline. Affected: no.

PreventionGenetics, part of Exact Sciences
Classification: Benign for ARID1B-related condition. Last evaluated: 2024-03-27. Review status: no assertion criteria provided. Collection method: clinical testing. Allele origin: germline. Not counted in ClinVar's aggregate classification.
Comment: This variant is classified as benign based on ACMG/AMP sequence variant interpretation guidelines (Richards et al. 2015 PMID: 25741868, with internal and published modifications).